The following is an entry in ClinVar:

ClinVar aggregate classification (germline): Uncertain significance (1 of 4 stars; one submission).

gnomAD v4.1: 7 of 1,611,002 alleles (0.00043%); highest among the groups gnomAD compares: Non-Finnish European, 0.00059%; no homozygotes.

Submission:

GeneDx
Classification: Uncertain significance. Last evaluated: 2022-03-30. Review status: criteria provided, single submitter. Criteria: GeneDx Variant Classification Process June 2021. Collection method: clinical testing. Allele origin: germline. Affected: yes.
Comment: Not observed at significant frequency in large population cohorts (gnomAD); In silico analysis supports that this missense variant does not alter protein structure/function; Has not been previously published as pathogenic or benign to our knowledge

NM_015378.4(VPS13D):c.5737G>A (p.Ala1913Thr)

Gene: VPS13D (vacuolar protein sorting 13 homolog D; plus strand). Cytogenetic location: 1p36.22.
Variant type: single nucleotide variant.
Coding change: c.5737G>A on transcript NM_015378.4 (MANE Select); coding-DNA position 5737, G replaced by A.
Protein change: p.Ala1913Thr; replaces alanine 1913 with threonine.
Molecular consequence: missense variant.
Genome position (GRCh38, 1-based): chr1:12,291,009, G>A. VCF-style: chr1-12291009-G-A. GRCh37 (hg19) VCF-style: chr1-12351066-G-A.
Other names: c.5737G>A, p.Ala1913Thr (NM_018156.4); short protein forms A1913T.
Identifiers: ClinVar variation 1707736 (VCV001707736.2), dbSNP rs2524091715, ClinGen allele CA338486424.